The following is an entry in ClinVar:

NM_005901.6(SMAD2):c.475G>T (p.Glu159Ter)

Gene: SMAD2 (SMAD family member 2; minus strand). Cytogenetic location: 18q21.1.
Variant type: single nucleotide variant.
Coding change: c.475G>T on transcript NM_005901.6 (MANE Select); coding-DNA position 475, G replaced by T.
Protein change: p.Glu159Ter; replaces glutamic acid 159 with a stop codon.
Molecular consequence: nonsense.
Genome position (GRCh38, 1-based): chr18:47,869,288, C>A on the plus strand (G>T on the coding strand, the complement: SMAD2 is on the minus strand). VCF-style: chr18-47869288-C-A. GRCh37 (hg19) VCF-style: chr18-45395659-C-A.
Other names: c.475G>T, p.Glu159Ter (NM_001003652.4); c.385G>T, p.Glu129Ter (NM_001135937.3); short protein forms E159*, E129*.
Identifiers: ClinVar variation 419441 (VCV000419441.3), dbSNP rs1064793873, ClinGen allele CA16620692.

ClinVar aggregate classification (germline): Pathogenic. Review status: criteria provided, single submitter (1 of 4 stars). 2 submissions from 2 submitters: Pathogenic (1). 1 of the submissions does not count toward it. Last evaluated 2015-07-09.

Conditions:
Congenital heart defects, multiple types, 8, with or without heterotaxy. Identifiers: MedGen C5562042, MONDO:0859213, OMIM 619657.

Submissions (2):

GeneDx
Classification: Pathogenic. Last evaluated: 2015-07-09. Review status: criteria provided, single submitter. Criteria: GeneDx Variant Classification (06012015). Collection method: clinical testing. Allele origin: germline. Affected: yes.
Comment: The E159X variant in the SMAD2 gene has not been reported previously as a pathogenic variantnor as a benign polymorphism, to our knowledge. This variant is predicted to cause loss of normal proteinfunction either through protein truncation or nonsense-mediated mRNA decay. The E159X variant wasnot observed in approximately 6500 individuals of European and African American ancestry in the NHLBIExome Sequencing Project, indicating it is not a common benign variant in these populations. We interpretE159X as a pathogenic variant.

OMIM
Classification: Pathogenic for CONGENITAL HEART DEFECTS, MULTIPLE TYPES, 8. Last evaluated: 2021-12-10. Review status: no assertion criteria provided. Collection method: literature only. Allele origin: germline. Not counted in ClinVar's aggregate classification.

Literature cited by the submitters: PubMed 30157302 (cited by OMIM).